The following is an entry in ClinVar:

ClinVar aggregate classification (germline): Pathogenic/Likely pathogenic. Review status: criteria provided, multiple submitters, no conflicts (2 of 4 stars). 20 submissions from 19 submitters: Pathogenic (12); Likely pathogenic (4). 4 of the submissions do not count toward it. Last evaluated 2026-02-04.

Conditions:
Dyskeratosis congenita, autosomal recessive 5 (DKCB5). Identifiers: MedGen C3554656, MONDO:0014076, OMIM 615190.
Pulmonary fibrosis and/or bone marrow failure, Telomere-related, 3. Also called: PULMONARY FIBROSIS AND/OR BONE MARROW FAILURE SYNDROME, TELOMERE-RELATED, 3. Identifiers: Orphanet 2032, MedGen C4225346, MONDO:0014613, OMIM 616373.
RTEL1-related disorder. Also called: RTEL1-related disorders; RTEL1-related condition.
Inborn genetic diseases. Identifiers: MedGen C0950123, MeSH D030342.
Dyskeratosis congenita. Identifiers: Orphanet 1775, MedGen C0265965, MONDO:0015780.
Interstitial lung disease 2 (ILD2). Also called: Familial idiopathic pulmonary fibrosis; FIBROCYSTIC PULMONARY DYSPLASIA; FIBROSING ALVEOLITIS, CRYPTOGENIC. Identifiers: Orphanet 2032, Orphanet 79126, MedGen C5561926, MONDO:0800497, OMIM 178500, MONDO:0800029.

Allele frequency attached by ClinVar (database versions not stated): gnomAD 0.00007 and 0.00008; gnomAD exomes 0.00007 and 0.00016; ExAC 0.00008; TOPMed 0.00012.
gnomAD v4.1: 126 of 1,611,502 alleles (0.0078%); highest among the groups gnomAD compares: Non-Finnish European, 0.0016%; no homozygotes.

Submissions 1 to 12 of 20:

Labcorp Genetics (formerly Invitae), Labcorp
Classification: Pathogenic for Dyskeratosis congenita, autosomal recessive 5; Pulmonary fibrosis and/or bone marrow failure, Telomere-related, 3. Last evaluated: 2026-02-04. Review status: criteria provided, single submitter. Criteria: Invitae Variant Classification Sherloc (09022015). Collection method: clinical testing. Allele origin: germline.
Comment: This sequence change replaces arginine, which is basic and polar, with histidine, which is basic and polar, at codon 1264 of the RTEL1 protein (p.Arg1264His). This variant is present in population databases (rs201540674, gnomAD 0.3%). This missense change has been observed in individuals with RTEL1-related conditions (PMID: 23453664, 24009516, 25047097, 25099625, 26025130). It is commonly reported in individuals of Ashkenazi Jewish ancestry (PMID: 23453664, 24009516, 25047097, 25099625, 26025130). This variant is also known as c.3724+139G>A on transcript NM_032957.4. ClinVar contains an entry for this variant (Variation ID: 42018). An algorithm developed to predict the effect of missense changes on protein structure and function (PolyPhen-2) suggests that this variant is likely to be disruptive. Experimental studies have shown that this missense change affects RTEL1 function (PMID: 24009516, 25620558). For these reasons, this variant has been classified as Pathogenic.

Natera, Inc.
Classification: Pathogenic for Dyskeratosis congenita. Last evaluated: 2025-10-26. Review status: criteria provided, single submitter. Criteria: Natera Variant Classification Schema (03/2026). Collection method: clinical testing. Allele origin: germline.
Comment: The c.3724+139G>A variant in RTEL1 is an intronic variant located outside the canonical splice sites. The frequency of this variant in the general population is greater than expected for disorder. This variant has been observed in one or more individuals affected with the associated recessive disease, as either homozygous or compound heterozygous with a second variant (PMID: 27418648, 24009516). Functional studies show that this variant may disrupt protein function (PMID: 24009516). Given the available evidence, this variant is classified as Pathogenic.

PreventionGenetics, part of Exact Sciences
Classification: Pathogenic for RTEL1-related condition. Last evaluated: 2025-08-28. Review status: criteria provided, single submitter. Criteria: ACMG Guidelines, 2015. Collection method: clinical testing. Allele origin: germline.
Comment: The RTEL1 c.3791G>A variant is predicted to result in the amino acid substitution p.Arg1264His. This variant has been reported in homozygous or compound heterozygous states in individuals with RTEL1-related disorders (Walne et al. 2013. PubMed ID: 23453664; Ballew et al. 2013. PubMed ID: 24009516; Hanna et al. 2015. PubMed ID: 26025130). It has also been reported in the heterozygous state in patients with autosomal dominant interstitial pneumonia (Cogan et al. 2015. PubMed ID: 25607374). Experimental studies indicate this variant impacts protein function (Ballew et al. 2013. PubMed ID: 24009516; Sarek et al. 2015. PubMed ID: 25620558). This variant is common in individuals of Ashkenazi Jewish ancestry (Ballew et al. 2013. PubMed ID: 24009516; Fedick et al. 2015. PubMed ID: 25047097) and is reported in 0.35% of alleles in individuals of Ashkenazi Jewish descent in gnomAD. This variant is interpreted as pathogenic.

Center for Genomic Medicine, Rigshospitalet, Copenhagen University Hospital
Classification: Pathogenic. Last evaluated: 2025-03-04. Review status: criteria provided, single submitter. Criteria: ACMG Guidelines, 2015. Collection method: clinical testing. Allele origin: germline.

Revvity Omics, Revvity
Classification: Likely pathogenic. Last evaluated: 2024-11-14. Review status: criteria provided, single submitter. Criteria: ACMG Guidelines, 2015. Collection method: clinical testing. Allele origin: germline.

Blueprint Genetics
Classification: Likely pathogenic for RTEL1-related disorders. Last evaluated: 2024-09-05. Review status: criteria provided, single submitter. Criteria: ACMG Guidelines, 2015. Collection method: clinical testing. Allele origin: germline. Affected: yes. Observed: 5 variant alleles.

Fulgent Genetics
Classification: Pathogenic for Dyskeratosis congenita, autosomal recessive 5; Pulmonary fibrosis and/or bone marrow failure, Telomere-related, 3. Last evaluated: 2024-04-07. Review status: criteria provided, single submitter. Criteria: ACMG Guidelines, 2015. Collection method: clinical testing. Allele origin: germline.

Baylor Genetics
Classification: Pathogenic for Dyskeratosis congenita, autosomal recessive 5. Last evaluated: 2023-10-23. Review status: criteria provided, single submitter. Criteria: ACMG Guidelines, 2015. Collection method: clinical testing. Allele origin: unknown.

GeneDx
Classification: Pathogenic. Last evaluated: 2023-07-24. Review status: criteria provided, single submitter. Criteria: GeneDx Variant Classification Process June 2021. Collection method: clinical testing. Allele origin: germline. Affected: yes.
Comment: Published functional studies demonstrate a significant increase in telomere loss and increase in cells with telomere dysfunction-induced foci (Sarek et al., 2015); Observed in the heterozygous state in individuals reported to be clinically unaffected, as well as individuals with a history of pulmonary fibrosis or myelodysplastic syndrome in individuals referred for genetic testing at GeneDx and in published literature (Ballew et al., 2013; Walne et al., 2013; Cogan et al., 2015; Hanna et al., 2015); In silico analysis supports that this variant does not alter splicing; This variant is associated with the following publications: (PMID: 30088779, 23453664, 25047097, 24009516, 25607374, 26025130, 28507545, 27415407, 32135276, 32710398, 34021146, 32561545, 28104920, 25099625, 34308104, 25620558)

Department of Pathology and Laboratory Medicine, Sinai Health System
Classification: Pathogenic for Pulmonary fibrosis and/or bone marrow failure, Telomere-related, 3; Dyskeratosis congenita, autosomal recessive 5. Last evaluated: 2023-05-01. Review status: criteria provided, single submitter. Criteria: ACMG Guidelines, 2015. Collection method: research. Allele origin: germline.

New York Genome Center
Classification: Pathogenic for Dyskeratosis congenita, autosomal recessive 5; Pulmonary fibrosis and/or bone marrow failure, Telomere-related, 3. Last evaluated: 2023-03-22. Review status: criteria provided, single submitter. Criteria: NYGC Assertion Criteria 2020. Collection method: clinical testing. Allele origin: inherited. Observed: 1 heterozygote.

Centre of Medical Genetics, University Hospital Muenster
Classification: Pathogenic. Last evaluated: 2022-02-09. Review status: criteria provided, single submitter. Criteria: ACMG Guidelines, 2015. Collection method: clinical testing. Allele origin: germline. Affected: yes. Observed: 1 variant allele, 1 heterozygote.
Comment: ACMG categories: PS3,PM3,PP3,PP5,BP1

NM_001283009.1(RTEL1):c.3791G>A (p.Arg1264His)

Genes: RTEL1 (regulator of telomere elongation helicase 1; plus strand), RTEL1-TNFRSF6B (RTEL1-TNFRSF6B readthrough (NMD candidate); plus strand). Cytogenetic location: 20q13.33.
Variant type: single nucleotide variant.
Coding change: c.3791G>A on transcript NM_001283009.1; coding-DNA position 3791, G replaced by A.
Protein change: p.Arg1264His; replaces arginine 1264 with histidine.
Molecular consequence: missense variant (on NM_001283009.2). On other transcripts: non-coding transcript variant (1), intron variant (3).
Genome position (GRCh38, 1-based): chr20:63,695,619, G>A. VCF-style: chr20-63695619-G-A. GRCh37 (hg19) VCF-style: chr20-62326972-G-A.
Other names: uc021wge.1:c.3791G>A; NM_001283009.1:p.Arg1264His; p.Arg1010Ter; c.3791G>A, p.Arg1264His (NM_001283009.2); c.2983+139G>A (NM_001283010.1); c.3724+139G>A (NM_032957.5); c.3652+139G>A (NM_016434.4); short protein forms R1264H.
Identifiers: ClinVar variation 42018 (VCV000042018.39), dbSNP rs201540674, ClinGen allele CA130947.